The following is an entry in ClinVar:

NM_000875.5(IGF1R):c.1997-6G>A

Gene: IGF1R (insulin like growth factor 1 receptor; plus strand). Cytogenetic location: 15q26.3.
Variant type: single nucleotide variant.
Coding change: c.1997-6G>A on transcript NM_000875.5 (MANE Select); 6 bases into the intron before coding-DNA position 1997, G replaced by A.
Molecular consequence: intron variant.
Genome position (GRCh38, 1-based): chr15:98,916,666, G>A. VCF-style: chr15-98916666-G-A. GRCh37 (hg19) VCF-style: chr15-99459895-G-A.
Other names: c.1997-6G>A (NM_001291858.2).
Identifiers: ClinVar variation 430562 (VCV000430562.4), dbSNP rs750280055, ClinGen allele CA7752275.

ClinVar aggregate classification (germline): Conflicting classifications of pathogenicity. Review status: criteria provided, conflicting classifications (1 of 4 stars). 3 submissions from 3 submitters: Likely pathogenic (1); Uncertain significance (2). Last evaluated 2024-02-11.

Conditions:
Growth delay due to insulin-like growth factor I resistance. Also called: Insulin-Like Growth Factor I Resistance; Somatomedin end-organ insensitivity to; Somatomedin-c resistance to; IGF-1 resistance; IGF-I RESISTANCE. Identifiers: Orphanet 73273, MedGen C1849157, MONDO:0010038, OMIM 270450.

Allele frequency attached by ClinVar (database versions not stated): ExAC 0.00001; gnomAD exomes 0.00001; 1000 Genomes Project 30x 0.00016.
gnomAD v4.1: 12 of 1,613,704 alleles (0.00074%); highest among the groups gnomAD compares: South Asian, 0.0055%; no homozygotes.

Submissions (3):

Labcorp Genetics (formerly Invitae), Labcorp
Classification: Uncertain significance. Last evaluated: 2024-02-11. Review status: criteria provided, single submitter. Criteria: Invitae Variant Classification Sherloc (09022015). Collection method: clinical testing. Allele origin: germline.
Comment: This sequence change falls in intron 9 of the IGF1R gene. It does not directly change the encoded amino acid sequence of the IGF1R protein. This variant is present in population databases (rs750280055, gnomAD 0.006%). This variant has not been reported in the literature in individuals affected with IGF1R-related conditions. ClinVar contains an entry for this variant (Variation ID: 430562). Algorithms developed to predict the effect of sequence changes on RNA splicing suggest that this variant may create or strengthen a splice site. In summary, the available evidence is currently insufficient to determine the role of this variant in disease. Therefore, it has been classified as a Variant of Uncertain Significance.

Baylor Genetics
Classification: Uncertain significance for Growth delay due to insulin-like growth factor I resistance. Last evaluated: 2020-05-05. Review status: criteria provided, single submitter. Criteria: ACMG Guidelines, 2015. Collection method: clinical testing. Allele origin: unknown. Affected: yes.
Comment: This variant was determined to be of uncertain significance according to ACMG Guidelines, 2015 [PMID:25741868].

GeneDx
Classification: Likely pathogenic. Last evaluated: 2016-06-24. Review status: criteria provided, single submitter. Criteria: GeneDx Variant Classification (06012015). Collection method: clinical testing. Allele origin: germline. Affected: yes.
Comment: The c.1997-6G>A variant in the IGF1R gene has not been reported previously as a pathogenic variant nor as a benign variant, to our knowledge. This variant is expected to result in the creation of a cryptic splice acceptor site upstream of the natural splice acceptor site in intron 9, and is expected to cause abnormal gene splicing. The c.1997-6G>A variant was not observed in approximately 6,500 individuals of European and African American ancestry in the NHLBI Exome Sequencing Project, indicating it is not a common benign variant in these populations. The c.1997-6G>A variant is a strong candidate for a pathogenic variant.. However, the possibility it may be a rare benign variant cannot be excluded.